The following is an entry in ClinVar:

NM_000090.4(COL3A1):c.2657G>C (p.Ser886Thr)

Gene: COL3A1 (collagen type III alpha 1 chain; plus strand). Cytogenetic location: 2q32.2.
Variant type: single nucleotide variant.
Coding change: c.2657G>C on transcript NM_000090.4 (MANE Select); coding-DNA position 2657, G replaced by C.
Protein change: p.Ser886Thr; replaces serine 886 with threonine.
Molecular consequence: missense variant.
Genome position (GRCh38, 1-based): chr2:189,003,783, G>C. VCF-style: chr2-189003783-G-C. GRCh37 (hg19) VCF-style: chr2-189868509-G-C.
Other names: short protein forms S886T.
Identifiers: ClinVar variation 3070223 (VCV003070223.1), dbSNP rs2469152826, ClinGen allele CA349843632.

ClinVar aggregate classification (germline): Uncertain significance (1 of 4 stars; one submission).

Conditions:
Ehlers-Danlos syndrome, type 4 (EDSVASC). Also called: Ehlers-Danlos Syndrome Type IV; Ehlers-Danlos syndrome vascular type; Ehlers Danlos syndrome, ecchymotic type; Ehlers Danlos syndrome, arterial type; Ehlers Danlos syndrome, Sack-Barabas type. Identifiers: Orphanet 286, MedGen C0268338, MONDO:0017314, OMIM 130050.

Submission:

All of Us Research Program, National Institutes of Health
Classification: Uncertain significance for Ehlers-Danlos syndrome, type 4. Last evaluated: 2023-04-03. Review status: criteria provided, single submitter. Criteria: ACMG Guidelines, 2015. Collection method: clinical testing. Allele origin: germline. Inheritance: Autosomal dominant inheritance. Observed: 1 variant allele, 1 heterozygote.
Comment: This missense variant replaces serine with threonine at codon 886 of the COL3A1 protein. Computational prediction suggests that this variant may not impact protein structure and function (internally defined REVEL score threshold <= 0.5, PMID: 27666373). To our knowledge, functional studies have not been reported for this variant. This variant has not been reported in individuals affected with COL3A1-related disorders in the literature. This variant has not been identified in the general population by the Genome Aggregation Database (gnomAD). The available evidence is insufficient to determine the role of this variant in disease conclusively. Therefore, this variant is classified as a Variant of Uncertain Significance.

This study involves interpretation of variants in research participants for the purpose of population health screening. Participant phenotype was not available at the time of variant classification. Additional details can be found in publication PMID: 35346344, PMCID: PMC8962531